The following is an entry in ClinVar:

NM_015272.5(RPGRIP1L):c.3831C>T (p.Ile1277=)

Gene: RPGRIP1L (RPGRIP1 like; minus strand). Cytogenetic location: 16q12.2.
Variant type: single nucleotide variant.
Coding change: c.3831C>T on transcript NM_015272.5 (MANE Select); coding-DNA position 3831, C replaced by T.
Protein change: p.Ile1277=; no amino-acid change (isoleucine 1277 retained).
Molecular consequence: synonymous variant.
Genome position (GRCh38, 1-based): chr16:53,605,485, G>A on the plus strand (C>T on the coding strand, the complement: RPGRIP1L is on the minus strand). VCF-style: chr16-53605485-G-A. GRCh37 (hg19) VCF-style: chr16-53639397-G-A.
Other names: c.3591C>T, p.Ile1197= (NM_001127897.4); c.3693C>T, p.Ile1231= (NM_001308334.3); c.3729C>T, p.Ile1243= (NM_001330538.2); c.3831C>T (NM_015272.4).
Identifiers: ClinVar variation 1613847 (VCV001613847.9), dbSNP rs760294595, ClinGen allele CA8057171.

ClinVar aggregate classification (germline): Likely benign. Review status: criteria provided, multiple submitters, no conflicts (2 of 4 stars). 2 submissions from 2 submitters: Likely benign (2). Last evaluated 2026-09-25.

Conditions:
Joubert syndrome. Also called: JOUBERT-BOLTSHAUSER SYNDROME; Familial aplasia of the vermis. Identifiers: Orphanet 475, MedGen C5979921, MONDO:0018772.
Meckel-Gruber syndrome. Also called: GRUBER SYNDROME; DYSENCEPHALIA SPLANCHNOCYSTICA; Dysencephalia splachnocystica. Identifiers: Orphanet 564, MedGen C0265215, MONDO:0018921.
RPGRIP1L-related disorder. Also called: RPGRIP1L-related condition; RPGRIP1L-related disorders. Identifiers: MedGen CN239416.

Allele frequency attached by ClinVar (database versions not stated): TOPMed below 0.00001; ExAC 0.00001; gnomAD exomes 0.00001.
gnomAD v4.1: 3 of 1,614,090 alleles (0.00019%); highest among the groups gnomAD compares: Admixed American, 0.0017%; no homozygotes.

Submissions (2):

PreventionGenetics, part of Exact Sciences
Classification: Likely benign for RPGRIP1L-related condition. Last evaluated: 2026-09-25. Review status: criteria provided, single submitter. Criteria: ACMG Guidelines, 2015. Collection method: clinical testing. Allele origin: germline.
Comment: This variant is classified as likely benign based on ACMG/AMP sequence variant interpretation guidelines (Richards et al. 2015 PMID: 25741868, with internal and published modifications).

Labcorp Genetics (formerly Invitae), Labcorp
Classification: Likely benign for Joubert syndrome; Meckel-Gruber syndrome. Last evaluated: 2024-01-09. Review status: criteria provided, single submitter. Criteria: Invitae Variant Classification Sherloc (09022015). Collection method: clinical testing. Allele origin: germline.